The following is an entry in ClinVar:

NM_020163.3(SEMA3G):c.245G>T (p.Arg82Leu)

Gene: SEMA3G (semaphorin 3G; minus strand). Cytogenetic location: 3p21.1.
Variant type: single nucleotide variant.
Coding change: c.245G>T on transcript NM_020163.3 (MANE Select); coding-DNA position 245, G replaced by T.
Protein change: p.Arg82Leu; replaces arginine 82 with leucine.
Molecular consequence: missense variant.
Genome position (GRCh38, 1-based): chr3:52,442,778, C>A on the plus strand (G>T on the coding strand, the complement: SEMA3G is on the minus strand). VCF-style: chr3-52442778-C-A. GRCh37 (hg19) VCF-style: chr3-52476794-C-A.
Other names: short protein forms R82L.
Identifiers: ClinVar variation 4995064 (VCV004995064.1).

ClinVar aggregate classification (germline): Uncertain significance (1 of 4 stars; one submission).

Conditions:
SEMA3G-related disorder. Also called: SEMA3G-related condition.

Submission:

PreventionGenetics, part of Exact Sciences
Classification: Uncertain significance for SEMA3G-related condition. Last evaluated: 2025-09-03. Review status: criteria provided, single submitter. Criteria: ACMG Guidelines, 2015. Collection method: clinical testing. Allele origin: germline.
Comment: The SEMA3G c.245G>T variant is predicted to result in the amino acid substitution p.Arg82Leu. To our knowledge, this variant has not been reported in the literature or in a large population database (gnomAD), indicating this variant is rare. At this time, the clinical significance of this variant is uncertain due to the absence of conclusive functional and genetic evidence.